The following is an entry in ClinVar:

ClinVar aggregate classification (germline): Uncertain significance (1 of 4 stars; one submission).

Conditions:
Muscular dystrophy-dystroglycanopathy (congenital with brain and eye anomalies), type a, 11 (MDDGA11). Also called: WALKER-WARBURG SYNDROME OR MUSCLE-EYE-BRAIN DISEASE, B3GALNT2-RELATED; Congenital muscular dystrophy-dystroglycanopathy with brain and eye anomalies, type A11; Muscular dystrophy-dystroglycanopathy (congenital with brain and eye anomalies, type A, 11. Identifiers: Orphanet 588, Orphanet 899, MedGen C3554638, MONDO:0014071, OMIM 615181.

Allele frequency attached by ClinVar (database versions not stated): TOPMed below 0.00001.
gnomAD v4.1: 35 of 1,613,890 alleles (0.0022%); highest among the groups gnomAD compares: Non-Finnish European, 0.0028%; no homozygotes.

Submission:

Labcorp Genetics (formerly Invitae), Labcorp
Classification: Uncertain significance for Muscular dystrophy-dystroglycanopathy (congenital with brain and eye anomalies), type a, 11. Last evaluated: 2022-10-25. Review status: criteria provided, single submitter. Criteria: Invitae Variant Classification Sherloc (09022015). Collection method: clinical testing. Allele origin: germline.
Comment: This sequence change falls in intron 11 of the B3GALNT2 gene. It does not directly change the encoded amino acid sequence of the B3GALNT2 protein. This variant is present in population databases (no rsID available, gnomAD 0.002%). This variant has not been reported in the literature in individuals affected with B3GALNT2-related conditions. Algorithms developed to predict the effect of sequence changes on RNA splicing suggest that this variant may disrupt the consensus splice site. In summary, the available evidence is currently insufficient to determine the role of this variant in disease. Therefore, it has been classified as a Variant of Uncertain Significance.

NM_152490.5(B3GALNT2):c.1369-4A>G

Genes: B3GALNT2 (beta-1,3-N-acetylgalactosaminyltransferase 2; minus strand), TBCE (tubulin folding cofactor E; plus strand). Cytogenetic location: 1q42.3.
Variant type: single nucleotide variant.
Coding change: c.1369-4A>G on transcript NM_152490.5 (MANE Select); 4 bases into the intron before coding-DNA position 1369, A replaced by G.
Molecular consequence: intron variant. On other transcripts: 3 prime UTR variant (4).
Genome position (GRCh38, 1-based): chr1:235,450,344, T>C on the plus strand (A>G on the coding strand, the complement: B3GALNT2 is on the minus strand). VCF-style: chr1-235450344-T-C. GRCh37 (hg19) VCF-style: chr1-235613659-T-C.
Other names: c.*1582T>C (NM_001079515.3, NM_001287801.2, NM_001287802.2 and 1 more transcripts).
Identifiers: ClinVar variation 1911228 (VCV001911228.2), dbSNP rs923489865, ClinGen allele CA39604271.
Genomic context (GRCh38, chr1:235,450,344, plus strand): 5'-CTGAGGAGAAGACAGCATTCCTGTCTCACAGGTCTTCTCACACAGCCACAGACTGTCCTG[T>C]TGAGAAACAACCAAAGCCGATCTGAGAGTGGTGAAACTGTTTTAAGAGCATCAGAAAGTA-3'